The following is an entry in ClinVar:

NM_001018115.3(FANCD2):c.2351C>T (p.Ser784Phe)

Genes: FANCD2 (FA complementation group D2; plus strand), LOC107303338 (3p25 FANCD2 Alu-mediated recombination region; plus strand). Cytogenetic location: 3p25.3.
Variant type: single nucleotide variant.
Coding change: c.2351C>T on transcript NM_001018115.3 (MANE Select); coding-DNA position 2351, C replaced by T.
Protein change: p.Ser784Phe; replaces serine 784 with phenylalanine.
Molecular consequence: missense variant.
Genome position (GRCh38, 1-based): chr3:10,065,945, C>T. VCF-style: chr3-10065945-C-T. GRCh37 (hg19) VCF-style: chr3-10107629-C-T.
Other names: c.2351C>T (NM_001018115.2); c.2351C>T, p.Ser784Phe (NM_001319984.2, NM_001374254.1, NM_033084.6); c.2240C>T, p.Ser747Phe (NM_001374253.1); short protein forms S747F, S784F.
Identifiers: ClinVar variation 1026310 (VCV001026310.13), dbSNP rs1398046806, ClinGen allele CA351736110.

ClinVar aggregate classification (germline): Conflicting classifications of pathogenicity. Review status: criteria provided, conflicting classifications (1 of 4 stars). 4 submissions from 4 submitters: Likely pathogenic (1); Uncertain significance (3). Last evaluated 2025-11-03.

Conditions:
Fanconi anemia (FA). Also called: Fanconi's anemia. Identifiers: Orphanet 84, MedGen C0015625, MeSH D005199, MONDO:0019391.
Ovarian cancer. Also called: OVARIAN CANCER, SOMATIC. Identifiers: Orphanet 213500, MedGen C1140680, MONDO:0008170, OMIM 167000.
Fanconi anemia complementation group D2. Also called: FANCD2-Related Fanconi Anemia; FANCONI PANCYTOPENIA, TYPE 4; FANCONI ANEMIA, COMPLEMENTATION GROUP D. Identifiers: Orphanet 84, MedGen C3160738, MONDO:0009214, OMIM 227646.

Allele frequency attached by ClinVar (database versions not stated): gnomAD 0.00001; TOPMed 0.00005.
gnomAD v4.1: 10 of 1,612,572 alleles (0.00062%); highest among the groups gnomAD compares: East Asian, 0.0089%; no homozygotes.

Submissions (4):

Women's Health and Genetics/Laboratory Corporation of America, LabCorp
Classification: Uncertain significance. Last evaluated: 2025-11-03. Review status: criteria provided, single submitter. Criteria: LabCorp Variant Classification Summary - May 2015. Collection method: clinical testing. Allele origin: germline.
Comment: Variant summary: FANCD2 c.2351C>T (p.Ser784Phe) results in a non-conservative amino acid change in the encoded protein sequence. Algorithms developed to predict the effect of missense changes on protein structure and function are either unavailable or do not agree on the potential impact of this missense change. The variant allele was found at a frequency of 2e-05 in 251138 control chromosomes. The available data on variant occurrences in the general population are insufficient to allow any conclusion about variant significance. To our knowledge, no occurrence of c.2351C>T in individuals affected with FANCD2-related conditions and no experimental evidence demonstrating its impact on protein function have been reported. The following publications have been ascertained in the context of this evaluation (PMID: 33947352, 28195569, 33361032, 33024263, 29926297, 34741701, 39051418). ClinVar contains an entry for this variant (Variation ID: 1026310). Based on the evidence outlined above, the variant was classified as uncertain significance.

Labcorp Genetics (formerly Invitae), Labcorp
Classification: Uncertain significance for Fanconi anemia. Last evaluated: 2024-05-21. Review status: criteria provided, single submitter. Criteria: Invitae Variant Classification Sherloc (09022015). Collection method: clinical testing. Allele origin: germline.
Comment: This sequence change replaces serine, which is neutral and polar, with phenylalanine, which is neutral and non-polar, at codon 784 of the FANCD2 protein (p.Ser784Phe). This variant is present in population databases (no rsID available, gnomAD 0.02%). This variant has not been reported in the literature in individuals affected with FANCD2-related conditions. ClinVar contains an entry for this variant (Variation ID: 1026310). Advanced modeling of protein sequence and biophysical properties (such as structural, functional, and spatial information, amino acid conservation, physicochemical variation, residue mobility, and thermodynamic stability) performed at Invitae indicates that this missense variant is expected to disrupt FANCD2 protein function with a positive predictive value of 80%. In summary, the available evidence is currently insufficient to determine the role of this variant in disease. Therefore, it has been classified as a Variant of Uncertain Significance.

Laboratory of Molecular Epidemiology of Birth Defects, West China Second University Hospital, Sichuan University
Classification: Likely pathogenic for Ovarian cancer. Last evaluated: 2022-01-01. Review status: criteria provided, single submitter. Criteria: ACMG Guidelines, 2015. Collection method: clinical testing. Allele origin: germline. Affected: yes.

Fulgent Genetics
Classification: Uncertain significance for Fanconi anemia complementation group D2. Last evaluated: 2021-11-11. Review status: criteria provided, single submitter. Criteria: ACMG Guidelines, 2015. Collection method: clinical testing. Allele origin: unknown.

Literature cited by the submitters: PubMed 28195569 (cited by Women's Health and Genetics/Laboratory Corporation of America, LabCorp); PubMed 29926297 (cited by Women's Health and Genetics/Laboratory Corporation of America, LabCorp); PubMed 34741701 (cited by Women's Health and Genetics/Laboratory Corporation of America, LabCorp); PubMed 33024263 (cited by Women's Health and Genetics/Laboratory Corporation of America, LabCorp); PubMed 33947352 (cited by Women's Health and Genetics/Laboratory Corporation of America, LabCorp); PubMed 33361032 (cited by Women's Health and Genetics/Laboratory Corporation of America, LabCorp); PubMed 39051418 (cited by Women's Health and Genetics/Laboratory Corporation of America, LabCorp).